The following is an entry in ClinVar:

NM_003482.4(KMT2D):c.9991C>A (p.Pro3331Thr)

Gene: KMT2D (lysine methyltransferase 2D; minus strand). Cytogenetic location: 12q13.12.
Variant type: single nucleotide variant.
Coding change: c.9991C>A on transcript NM_003482.4 (MANE Select); coding-DNA position 9991, C replaced by A.
Protein change: p.Pro3331Thr; replaces proline 3331 with threonine.
Molecular consequence: missense variant.
Genome position (GRCh38, 1-based): chr12:49,037,365, G>T on the plus strand (C>A on the coding strand, the complement: KMT2D is on the minus strand). VCF-style: chr12-49037365-G-T. GRCh37 (hg19) VCF-style: chr12-49431148-G-T.
Other names: short protein forms P3331T.
Identifiers: ClinVar variation 2633030 (VCV002633030.3), dbSNP rs2120477819, ClinGen allele CA384733277.

ClinVar aggregate classification (germline): Uncertain significance. Review status: criteria provided, multiple submitters, no conflicts (2 of 4 stars). 2 submissions from 2 submitters: Uncertain significance (2). Last evaluated 2024-03-29.

Conditions:
Kabuki syndrome. Also called: Kabuki make-up syndrome; NIIKAWA-KUROKI SYNDROME. Identifiers: Orphanet 2322, MedGen C0796004, MONDO:0016512.
KMT2D-related disorder. Also called: KMT2D-Related Disorders.

Submissions (2):

Labcorp Genetics (formerly Invitae), Labcorp
Classification: Uncertain significance for Kabuki syndrome. Last evaluated: 2024-03-29. Review status: criteria provided, single submitter. Criteria: Invitae Variant Classification Sherloc (09022015). Collection method: clinical testing. Allele origin: germline.
Comment: This sequence change replaces proline, which is neutral and non-polar, with threonine, which is neutral and polar, at codon 3331 of the KMT2D protein (p.Pro3331Thr). This variant is not present in population databases (gnomAD no frequency). This variant has not been reported in the literature in individuals affected with KMT2D-related conditions. ClinVar contains an entry for this variant (Variation ID: 2633030). Advanced modeling of protein sequence and biophysical properties (such as structural, functional, and spatial information, amino acid conservation, physicochemical variation, residue mobility, and thermodynamic stability) performed at Invitae indicates that this missense variant is not expected to disrupt KMT2D protein function with a negative predictive value of 95%. In summary, the available evidence is currently insufficient to determine the role of this variant in disease. Therefore, it has been classified as a Variant of Uncertain Significance.

PreventionGenetics, part of Exact Sciences
Classification: Uncertain significance for KMT2D-related condition. Last evaluated: 2023-04-26. Review status: criteria provided, single submitter. Criteria: ACMG Guidelines, 2015. Collection method: clinical testing. Allele origin: germline.
Comment: The KMT2D c.9991C>A variant is predicted to result in the amino acid substitution p.Pro3331Thr. To our knowledge, this variant has not been reported in the literature or in a large population database, indicating this variant is rare. At this time, the clinical significance of this variant is uncertain due to the absence of conclusive functional and genetic evidence.